The following is an entry in ClinVar:

NM_001330078.2(NRXN1):c.253C>T (p.Arg85Cys)

Gene: NRXN1 (neurexin 1; minus strand). Cytogenetic location: 2p16.3.
Variant type: single nucleotide variant.
Coding change: c.253C>T on transcript NM_001330078.2 (MANE Select); coding-DNA position 253, C replaced by T.
Protein change: p.Arg85Cys; replaces arginine 85 with cysteine.
Molecular consequence: missense variant.
Genome position (GRCh38, 1-based): chr2:51,028,021, G>A on the plus strand (C>T on the coding strand, the complement: NRXN1 is on the minus strand). VCF-style: chr2-51028021-G-A. GRCh37 (hg19) VCF-style: chr2-51255159-G-A.
Other names: c.253C>T, p.Arg85Cys (NM_001135659.3, NM_001330077.2, NM_001330079.2 and 15 more transcripts); short protein forms R85C.
Identifiers: ClinVar variation 1704104 (VCV001704104.4), dbSNP rs2468081743, ClinGen allele CA346824372.

ClinVar aggregate classification (germline): Uncertain significance. Review status: criteria provided, multiple submitters, no conflicts (2 of 4 stars). 2 submissions from 2 submitters: Uncertain significance (2). Last evaluated 2024-04-18.

Conditions:
Pitt-Hopkins-like syndrome 2 (PTHSL2). Identifiers: Orphanet 221150, Orphanet 600663, MedGen C3280479, MONDO:0013690, OMIM 614325.

gnomAD v4.1: 1 of 1,599,712 alleles (0.000063%); highest among the groups gnomAD compares: African/African-American, 0.0013%; no homozygotes.

Submissions (2):

Labcorp Genetics (formerly Invitae), Labcorp
Classification: Uncertain significance for Pitt-Hopkins-like syndrome 2. Last evaluated: 2024-04-18. Review status: criteria provided, single submitter. Criteria: Invitae Variant Classification Sherloc (09022015). Collection method: clinical testing. Allele origin: germline.
Comment: This sequence change replaces arginine, which is basic and polar, with cysteine, which is neutral and slightly polar, at codon 85 of the NRXN1 protein (p.Arg85Cys). This variant is not present in population databases (gnomAD no frequency). This variant has not been reported in the literature in individuals affected with NRXN1-related conditions. ClinVar contains an entry for this variant (Variation ID: 1704104). An algorithm developed to predict the effect of missense changes on protein structure and function (PolyPhen-2) suggests that this variant is likely to be disruptive. In summary, the available evidence is currently insufficient to determine the role of this variant in disease. Therefore, it has been classified as a Variant of Uncertain Significance.

GeneDx
Classification: Uncertain significance. Last evaluated: 2022-02-28. Review status: criteria provided, single submitter. Criteria: GeneDx Variant Classification Process June 2021. Collection method: clinical testing. Allele origin: germline. Affected: yes.
Comment: Not observed at significant frequency in large population cohorts (gnomAD); In silico analysis supports that this missense variant does not alter protein structure/function; Has not been previously published as pathogenic or benign to our knowledge